The following is an entry in ClinVar:

ClinVar aggregate classification (germline): Uncertain significance. Review status: criteria provided, multiple submitters, no conflicts (2 of 4 stars). 2 submissions from 2 submitters: Uncertain significance (2). Last evaluated 2021-11-07.

Conditions:
Microcephaly. Also called: Microcephaly (disease). Identifiers: MedGen C4551563, MONDO:0001149, HP:0000252.
Severe global developmental delay. Also called: Severe psychomotor retardation. Identifiers: MedGen C1837397, HP:0011344.
Cataract. Also called: Cataract (disease); cataracts. Identifiers: MedGen C0086543, MeSH D002386, MONDO:0005129, HP:0000518.

Allele frequency attached by ClinVar (database versions not stated): gnomAD exomes below 0.00001; ExAC 0.00001.
gnomAD v4.1: 5 of 1,611,024 alleles (0.00031%); highest among the groups gnomAD compares: Non-Finnish European, 0.00034%; no homozygotes.

Submissions (2):

Labcorp Genetics (formerly Invitae), Labcorp
Classification: Uncertain significance. Last evaluated: 2021-11-07. Review status: criteria provided, single submitter. Criteria: Invitae Variant Classification Sherloc (09022015). Collection method: clinical testing. Allele origin: germline.
Comment: In summary, the available evidence is currently insufficient to determine the role of this variant in disease. Therefore, it has been classified as a Variant of Uncertain Significance. This variant is present in population databases (rs766745943, gnomAD 0.0009%). This sequence change replaces arginine, which is basic and polar, with glycine, which is neutral and non-polar, at codon 110 of the TALDO1 protein (p.Arg110Gly). Algorithms developed to predict the effect of missense changes on protein structure and function (SIFT, PolyPhen-2, Align-GVGD) all suggest that this variant is likely to be disruptive. ClinVar contains an entry for this variant (Variation ID: 523493). This variant has not been reported in the literature in individuals affected with TALDO1-related conditions.

Centre for Mendelian Genomics, University Medical Centre Ljubljana
Classification: Uncertain significance for Cataract; Microcephaly; Severe global developmental delay. Last evaluated: 2017-01-01. Review status: criteria provided, single submitter. Criteria: ACMG Guidelines, 2015. Collection method: clinical testing. Allele origin: unknown. Affected: yes.

NM_006755.2(TALDO1):c.328A>G (p.Arg110Gly)

Gene: TALDO1 (transaldolase 1; plus strand). Cytogenetic location: 11p15.5.
Variant type: single nucleotide variant.
Coding change: c.328A>G on transcript NM_006755.2 (MANE Select); coding-DNA position 328, A replaced by G.
Protein change: p.Arg110Gly; replaces arginine 110 with glycine.
Molecular consequence: missense variant.
Genome position (GRCh38, 1-based): chr11:759,056, A>G. VCF-style: chr11-759056-A-G. GRCh37 (hg19) VCF-style: chr11-759056-A-G.
Other names: short protein forms R110G.
Identifiers: ClinVar variation 523493 (VCV000523493.7), dbSNP rs766745943, ClinGen allele CA5788090.